The following is an entry in ClinVar:

NM_001291415.2(KDM6A):c.1581+7A>G

Gene: KDM6A (lysine demethylase 6A; plus strand). Cytogenetic location: Xp11.3.
Variant type: single nucleotide variant.
Coding change: c.1581+7A>G on transcript NM_001291415.2 (MANE Select); 7 bases into the intron after coding-DNA position 1581, A replaced by G.
Molecular consequence: intron variant.
Genome position (GRCh38, 1-based): chrX:45,061,426, A>G. VCF-style: chrX-45061426-A-G. GRCh37 (hg19) VCF-style: chrX-44920671-A-G.
Other names: c.1581+7A>G (NM_001419809.1, NM_001419810.1, NM_001419813.1); c.1425+7A>G (NM_001419812.1, NM_021140.4, NM_001419814.1 and 1 more transcripts); c.1446+7A>G (NM_001419811.1, NM_001291416.2); c.1290+7A>G (NM_001291417.2, NM_001419815.1, NM_001291418.2); c.537+7A>G (NM_001291421.2).
Identifiers: ClinVar variation 3054309 (VCV003054309.4), dbSNP rs1170451815, ClinGen allele CA875643417.

ClinVar aggregate classification (germline): Likely benign. Review status: criteria provided, single submitter (1 of 4 stars). 2 submissions from 2 submitters: Likely benign (1). 1 of the submissions does not count toward it. Last evaluated 2024-12-13.

Conditions:
KDM6A-related disorder. Also called: KDM6A-related condition.
Kabuki syndrome 2 (KABUK2). Also called: KDM6A-Related Kabuki Syndrome. Identifiers: Orphanet 2322, MedGen C3275495, MONDO:0010465, OMIM 300867.

Allele frequency attached by ClinVar (database versions not stated): gnomAD exomes below 0.00001; TOPMed 0.00001.
gnomAD v4.1: 2 of 1,018,537 alleles (0.0002%); highest among the groups gnomAD compares: African/African-American, 0.0019%; no homozygotes.

Submissions (2):

Labcorp Genetics (formerly Invitae), Labcorp
Classification: Likely benign for Kabuki syndrome 2. Last evaluated: 2024-12-13. Review status: criteria provided, single submitter. Criteria: Invitae Variant Classification Sherloc (09022015). Collection method: clinical testing. Allele origin: germline.

PreventionGenetics, part of Exact Sciences
Classification: Likely benign for KDM6A-related condition. Last evaluated: 2022-12-07. Review status: no assertion criteria provided. Collection method: clinical testing. Allele origin: germline. Not counted in ClinVar's aggregate classification.
Comment: This variant is classified as likely benign based on ACMG/AMP sequence variant interpretation guidelines (Richards et al. 2015 PMID: 25741868, with internal and published modifications).